The following is an entry in ClinVar:

ClinVar aggregate classification (germline): Uncertain significance (1 of 4 stars; one submission).

Conditions:
Emery-Dreifuss muscular dystrophy 4, autosomal dominant (EDMD4). Also called: EMERY-DREIFUSS MUSCULAR DYSTROPHY 4 WITH VARIABLE FEATURES. Identifiers: Orphanet 261, MedGen C2751807, MONDO:0013071, OMIM 612998.
Autosomal recessive ataxia, Beauce type. Also called: SYNE1 Deficiency; Spinocerebellar ataxia, autosomal recessive 8; ATAXIA, RECESSIVE, OF BEAUCE; SYNE1-Related Autosomal Recessive Cerebellar Ataxia. Identifiers: Orphanet 88644, MedGen C1853116, MONDO:0012549, OMIM 610743.

Submission:

Labcorp Genetics (formerly Invitae), Labcorp
Classification: Uncertain significance for Emery-Dreifuss muscular dystrophy 4, autosomal dominant; Autosomal recessive ataxia, Beauce type. Last evaluated: 2022-08-21. Review status: criteria provided, single submitter. Criteria: Invitae Variant Classification Sherloc (09022015). Collection method: clinical testing. Allele origin: germline.
Comment: This sequence change replaces leucine, which is neutral and non-polar, with valine, which is neutral and non-polar, at codon 7053 of the SYNE1 protein (p.Leu7053Val). In summary, the available evidence is currently insufficient to determine the role of this variant in disease. Therefore, it has been classified as a Variant of Uncertain Significance. Algorithms developed to predict the effect of missense changes on protein structure and function (SIFT, PolyPhen-2, Align-GVGD) all suggest that this variant is likely to be tolerated. This variant is not present in population databases (gnomAD no frequency). This variant has not been reported in the literature in individuals affected with SYNE1-related conditions.

NM_182961.4(SYNE1):c.21370C>G (p.Leu7124Val)

Gene: SYNE1 (spectrin repeat containing nuclear envelope protein 1; minus strand). Cytogenetic location: 6q25.2.
Variant type: single nucleotide variant.
Coding change: c.21370C>G on transcript NM_182961.4 (MANE Select); coding-DNA position 21370, C replaced by G.
Protein change: p.Leu7124Val; replaces leucine 7124 with valine.
Molecular consequence: missense variant.
Genome position (GRCh38, 1-based): chr6:152,224,646, G>C on the plus strand (C>G on the coding strand, the complement: SYNE1 is on the minus strand). VCF-style: chr6-152224646-G-C. GRCh37 (hg19) VCF-style: chr6-152545781-G-C.
Other names: c.21157C>G, p.Leu7053Val (NM_033071.5); short protein forms L7053V, L7124V.
Identifiers: ClinVar variation 1986132 (VCV001986132.4), dbSNP rs1421148619, ClinGen allele CA366108025.